The following is an entry in ClinVar:

NM_001457.4(FLNB):c.3060C>T (p.Tyr1020=)

Gene: FLNB (filamin B; plus strand). Cytogenetic location: 3p14.3.
Variant type: single nucleotide variant.
Coding change: c.3060C>T on transcript NM_001457.4 (MANE Select); coding-DNA position 3060, C replaced by T.
Protein change: p.Tyr1020=; no amino-acid change (tyrosine 1020 retained).
Molecular consequence: synonymous variant.
Genome position (GRCh38, 1-based): chr3:58,121,437, C>T. VCF-style: chr3-58121437-C-T. GRCh37 (hg19) VCF-style: chr3-58107164-C-T.
Other names: c.3060C>T, p.Tyr1020= (NM_001164317.2, NM_001164318.2, NM_001164319.2).
Identifiers: ClinVar variation 1079382 (VCV001079382.9), dbSNP rs201490778, ClinGen allele CA2468314.

ClinVar aggregate classification (germline): Likely benign. Review status: criteria provided, multiple submitters, no conflicts (2 of 4 stars). 2 submissions from 2 submitters: Likely benign (2). Last evaluated 2026-08-01.

Allele frequency attached by ClinVar (database versions not stated): ExAC 0.00007; ESP Exome Variant Server 0.00008; gnomAD exomes 0.00008 and 0.00006; gnomAD 0.00009 and 0.00010; TOPMed 0.00009.
gnomAD v4.1: 133 of 1,613,986 alleles (0.0082%); highest among the groups gnomAD compares: Admixed American, 0.018%; no homozygotes.

Submissions (2):

CeGaT Center for Human Genetics Tuebingen
Classification: Likely benign. Last evaluated: 2026-08-01. Review status: criteria provided, single submitter. Criteria: CeGaT Center For Human Genetics Tuebingen Variant Classification Criteria Version 2. Collection method: clinical testing. Allele origin: germline. Affected: yes. Observed: 1 variant allele.
Comment: FLNB: BP4, BP7

Labcorp Genetics (formerly Invitae), Labcorp
Classification: Likely benign. Last evaluated: 2025-09-08. Review status: criteria provided, single submitter. Criteria: Invitae Variant Classification Sherloc (09022015). Collection method: clinical testing. Allele origin: germline.